The following is an entry in ClinVar:

ClinVar aggregate classification (germline): Uncertain significance (1 of 4 stars; one submission).

Submission:

Labcorp Genetics (formerly Invitae), Labcorp
Classification: Uncertain significance. Last evaluated: 2023-05-22. Review status: criteria provided, single submitter. Criteria: Invitae Variant Classification Sherloc (09022015). Collection method: clinical testing. Allele origin: germline.
Comment: This variant has not been reported in the literature in individuals affected with CBX2-related conditions. In summary, the available evidence is currently insufficient to determine the role of this variant in disease. Therefore, it has been classified as a Variant of Uncertain Significance. Advanced modeling of protein sequence and biophysical properties (such as structural, functional, and spatial information, amino acid conservation, physicochemical variation, residue mobility, and thermodynamic stability) performed at Invitae indicates that this missense variant is expected to disrupt CBX2 protein function. This variant is not present in population databases (gnomAD no frequency). This sequence change replaces serine, which is neutral and polar, with arginine, which is basic and polar, at codon 459 of the CBX2 protein (p.Ser459Arg).

NM_005189.3(CBX2):c.1377C>G (p.Ser459Arg)

Gene: CBX2 (chromobox 2; plus strand). Cytogenetic location: 17q25.3.
Variant type: single nucleotide variant.
Coding change: c.1377C>G on transcript NM_005189.3 (MANE Select); coding-DNA position 1377, C replaced by G.
Protein change: p.Ser459Arg; replaces serine 459 with arginine.
Molecular consequence: missense variant.
Genome position (GRCh38, 1-based): chr17:79,784,820, C>G. VCF-style: chr17-79784820-C-G. GRCh37 (hg19) VCF-style: chr17-77758619-C-G.
Other names: short protein forms S459R.
Identifiers: ClinVar variation 2896975 (VCV002896975.3), dbSNP rs148521974, ClinGen allele CA401340636.
Genomic context (GRCh38, chr17:79,784,820, plus strand): 5'-GCAGGAGAGCCGCACAGCCCCCGGAGAAGCCCGCAAGGCGGCCACACTGCCAGAGATGAG[C>G]GCAGGTGAGGAGAGTAGCAGCTCGGACTCCGACCCCGACTCCGCCTCGCCGCCCAGCACT-3'
Protein context (NP_005180.1, residues 449-469): ARKAATLPEM[Ser459Arg]AGEESSSSDS